The following is an entry in ClinVar:

ClinVar aggregate classification (germline): Uncertain significance (1 of 4 stars; one submission).

Submission:

Labcorp Genetics (formerly Invitae), Labcorp
Classification: Uncertain significance. Last evaluated: 2019-11-10. Review status: criteria provided, single submitter. Criteria: Invitae Variant Classification Sherloc (09022015). Collection method: clinical testing. Allele origin: germline.
Comment: In summary, the available evidence is currently insufficient to determine the role of this variant in disease. Therefore, it has been classified as a Variant of Uncertain Significance. Algorithms developed to predict the effect of missense changes on protein structure and function are either unavailable or do not agree on the potential impact of this missense change (SIFT: "Tolerated"; PolyPhen-2: "Probably Damaging"; Align-GVGD: "Class C0"). This variant has not been reported in the literature in individuals with UMOD-related conditions. This variant is not present in population databases (ExAC no frequency). This sequence change replaces cysteine with tryptophan at codon 35 of the UMOD protein (p.Cys35Trp). The cysteine residue is weakly conserved and there is a large physicochemical difference between cysteine and tryptophan.

NM_003361.4(UMOD):c.105T>G (p.Cys35Trp)

Gene: UMOD (uromodulin; minus strand). Cytogenetic location: 16p12.3.
Variant type: single nucleotide variant.
Coding change: c.105T>G on transcript NM_003361.4 (MANE Select); coding-DNA position 105, T replaced by G.
Protein change: p.Cys35Trp; replaces cysteine 35 with tryptophan.
Molecular consequence: missense variant. On other transcripts: non-coding transcript variant (1).
Genome position (GRCh38, 1-based): chr16:20,349,196, A>C on the plus strand (T>G on the coding strand, the complement: UMOD is on the minus strand). VCF-style: chr16-20349196-A-C. GRCh37 (hg19) VCF-style: chr16-20360518-A-C.
Other names: c.105T>G, p.Cys35Trp (NM_001008389.3, NM_001378232.1, NM_001378233.1 and 3 more transcripts); c.204T>G, p.Cys68Trp (NM_001278614.2); short protein forms C68W, C35W.
Identifiers: ClinVar variation 965073 (VCV000965073.9), dbSNP rs1596563386, ClinGen allele CA394965709.